The following is an entry in ClinVar:

ClinVar aggregate classification (germline): Uncertain significance. Review status: criteria provided, multiple submitters, no conflicts (2 of 4 stars). 2 submissions from 2 submitters: Uncertain significance (2). Last evaluated 2024-12-06.

Conditions:
Familial cold autoinflammatory syndrome 2 (FCAS2). Identifiers: Orphanet 247868, MedGen C2673198, MONDO:0012724, OMIM 611762.

Allele frequency attached by ClinVar (database versions not stated): ExAC 0.00001; gnomAD 0.00001; TOPMed 0.00002.
gnomAD v4.1: 5 of 1,614,018 alleles (0.00031%); highest among the groups gnomAD compares: African/African-American, 0.0027%; no homozygotes.

Submissions (2):

Laboratorio de Genetica e Diagnostico Molecular, Hospital Israelita Albert Einstein
Classification: Uncertain significance for Familial cold autoinflammatory syndrome 2. Last evaluated: 2024-12-06. Review status: criteria provided, single submitter. Criteria: ACMG Guidelines, 2015. Collection method: clinical testing. Allele origin: germline. Affected: yes.
Comment: ACMG classification criteria: PM2 supporting

Labcorp Genetics (formerly Invitae), Labcorp
Classification: Uncertain significance for Familial cold autoinflammatory syndrome 2. Last evaluated: 2021-06-28. Review status: criteria provided, single submitter. Criteria: Invitae Variant Classification Sherloc (09022015). Collection method: clinical testing. Allele origin: germline.
Comment: This sequence change replaces arginine with serine at codon 561 of the NLRP12 protein (p.Arg561Ser). The arginine residue is highly conserved and there is a moderate physicochemical difference between arginine and serine. This variant is present in population databases (rs747435135, ExAC 0.009%). This variant has not been reported in the literature in individuals affected with NLRP12-related conditions. Algorithms developed to predict the effect of missense changes on protein structure and function (SIFT, PolyPhen-2, Align-GVGD) all suggest that this variant is likely to be disruptive. Algorithms developed to predict the effect of sequence changes on RNA splicing suggest that this variant may create or strengthen a splice site. In summary, the available evidence is currently insufficient to determine the role of this variant in disease. Therefore, it has been classified as a Variant of Uncertain Significance.

NM_144687.4(NLRP12):c.1681C>A (p.Arg561Ser)

Gene: NLRP12 (NLR family pyrin domain containing 12; minus strand). Cytogenetic location: 19q13.42.
Variant type: single nucleotide variant.
Coding change: c.1681C>A on transcript NM_144687.4 (MANE Select); coding-DNA position 1681, C replaced by A.
Protein change: p.Arg561Ser; replaces arginine 561 with serine.
Molecular consequence: missense variant.
Genome position (GRCh38, 1-based): chr19:53,809,978, G>T on the plus strand (C>A on the coding strand, the complement: NLRP12 is on the minus strand). VCF-style: chr19-53809978-G-T. GRCh37 (hg19) VCF-style: chr19-54313232-G-T.
Other names: c.1681C>A, p.Arg561Ser (NM_001277126.2, NM_001277129.1); short protein forms R561S.
Identifiers: ClinVar variation 1461736 (VCV001461736.9), dbSNP rs747435135, ClinGen allele CA9639375.